The following is an entry in ClinVar:

NM_001061.7(TBXAS1):c.1278C>T (p.Pro426=)

Gene: TBXAS1 (thromboxane A synthase 1; plus strand). Cytogenetic location: 7q34.
Variant type: single nucleotide variant.
Coding change: c.1278C>T on transcript NM_001061.7 (MANE Select); coding-DNA position 1278, C replaced by T.
Protein change: p.Pro426=; no amino-acid change (proline 426 retained).
Molecular consequence: synonymous variant.
Genome position (GRCh38, 1-based): chr7:140,015,774, C>T. VCF-style: chr7-140015774-C-T. GRCh37 (hg19) VCF-style: chr7-139715574-C-T.
Other names: c.1278C>T, p.Pro426= (NM_001130966.5, NM_030984.6); c.1416C>T, p.Pro472= (NM_001166253.4); c.1077C>T, p.Pro359= (NM_001166254.4); c.1221C>T, p.Pro407= (NM_001314028.4); c.1095C>T, p.Pro365= (NM_001366537.3); c.1281C>T (NM_001061.4).
Identifiers: ClinVar variation 2180982 (VCV002180982.7), dbSNP rs372503987, ClinGen allele CA4511971.

ClinVar aggregate classification (germline): Likely benign. Review status: criteria provided, multiple submitters, no conflicts (2 of 4 stars). 3 submissions from 3 submitters: Likely benign (2). 1 of the submissions does not count toward it. Last evaluated 2026-01-04.

Conditions:
TBXAS1-related disorder. Also called: TBXAS1-related condition.

Allele frequency attached by ClinVar (database versions not stated): ExAC 0.00013; ESP Exome Variant Server 0.00015; gnomAD 0.00022; TOPMed 0.00025.
gnomAD v4.1: 94 of 1,613,450 alleles (0.0058%); highest among the groups gnomAD compares: African/African-American, 0.051%; no homozygotes.

Submissions (3):

Labcorp Genetics (formerly Invitae), Labcorp
Classification: Likely benign. Last evaluated: 2026-01-04. Review status: criteria provided, single submitter. Criteria: Invitae Variant Classification Sherloc (09022015). Collection method: clinical testing. Allele origin: germline.

Blueprint Genetics
Classification: Likely benign. Last evaluated: 2024-08-28. Review status: criteria provided, single submitter. Criteria: ACMG Guidelines, 2015. Collection method: clinical testing. Allele origin: germline.

PreventionGenetics, part of Exact Sciences
Classification: Likely benign for TBXAS1-related condition. Last evaluated: 2019-10-16. Review status: no assertion criteria provided. Collection method: clinical testing. Allele origin: germline. Not counted in ClinVar's aggregate classification.
Comment: This variant is classified as likely benign based on ACMG/AMP sequence variant interpretation guidelines (Richards et al. 2015 PMID: 25741868, with internal and published modifications).